The following is an entry in ClinVar:

ClinVar aggregate classification (germline): Uncertain significance (1 of 4 stars; one submission).

Conditions:
Epilepsy, familial adult myoclonic, 5 (EPEO5). Also called: CORTICAL MYOCLONIC TREMOR WITH EPILEPSY, FAMILIAL, 5. Identifiers: Orphanet 86814, MedGen C3809374, MONDO:0014167, OMIM 615400.

Submission:

Labcorp Genetics (formerly Invitae), Labcorp
Classification: Uncertain significance for Epilepsy, familial adult myoclonic, 5. Last evaluated: 2022-03-26. Review status: criteria provided, single submitter. Criteria: Invitae Variant Classification Sherloc (09022015). Collection method: clinical testing. Allele origin: germline.
Comment: This sequence change affects codon 23 of the CNTN2 mRNA. It is a 'silent' change, meaning that it does not change the encoded amino acid sequence of the CNTN2 protein. It affects a nucleotide within the consensus splice site. This variant is not present in population databases (gnomAD no frequency). This variant has not been reported in the literature in individuals affected with CNTN2-related conditions. Algorithms developed to predict the effect of sequence changes on RNA splicing suggest that this variant is not likely to affect RNA splicing. In summary, the available evidence is currently insufficient to determine the role of this variant in disease. Therefore, it has been classified as a Variant of Uncertain Significance.

NM_005076.5(CNTN2):c.69A>G (p.Ser23=)

Gene: CNTN2 (contactin 2; plus strand). Cytogenetic location: 1q32.1.
Variant type: single nucleotide variant.
Coding change: c.69A>G on transcript NM_005076.5 (MANE Select); coding-DNA position 69, A replaced by G.
Protein change: p.Ser23=; no amino-acid change (serine 23 retained).
Molecular consequence: synonymous variant. On other transcripts: non-coding transcript variant (1).
Genome position (GRCh38, 1-based): chr1:205,053,254, A>G. VCF-style: chr1-205053254-A-G. GRCh37 (hg19) VCF-style: chr1-205022382-A-G.
Other names: c.69A>G, p.Ser23= (NM_001346083.2).
Identifiers: ClinVar variation 1955260 (VCV001955260.5), dbSNP rs2526329602, ClinGen allele CA422874091.